The following is an entry in ClinVar:

ClinVar aggregate classification (germline): Pathogenic/Likely pathogenic. Review status: criteria provided, multiple submitters, no conflicts (2 of 4 stars). 2 submissions from 2 submitters: Pathogenic (1); Likely pathogenic (1). Last evaluated 2024-10-28.

Conditions:
Pyruvate carboxylase deficiency. Also called: ATAXIA WITH LACTIC ACIDOSIS II; LEIGH NECROTIZING ENCEPHALOPATHY DUE TO PYRUVATE CARBOXYLASE DEFICIENCY; LEIGH SYNDROME DUE TO PYRUVATE CARBOXYLASE DEFICIENCY; PC DEFICIENCY; Pyruvate Carboxylase Deficiency Disease. Identifiers: Orphanet 3008, MedGen C0034341, MONDO:0009949, OMIM 266150.

Submissions (2):

Myriad Genetics, Inc.
Classification: Pathogenic for Pyruvate carboxylase deficiency. Last evaluated: 2024-10-28. Review status: criteria provided, single submitter. Criteria: Myriad Autosomal Dominant, Autosomal Recessive and X-Linked Classification Criteria (2023). Collection method: clinical testing. Allele origin: unknown.
Comment: NM_000920.3(PC):c.826G>T(E276*) is expected to be pathogenic in the context of pyruvate carboxylase deficiency. This variant is predicted to lead to an abnormal or absent protein product due to the creation of a premature termination codon in PC, a gene where loss-of-function variants are known to be pathogenic. Please note: this variant was assessed in the context of healthy population screening.

Baylor Genetics
Classification: Likely pathogenic for Pyruvate carboxylase deficiency. Last evaluated: 2024-03-03. Review status: criteria provided, single submitter. Criteria: ACMG Guidelines, 2015. Collection method: clinical testing. Allele origin: unknown.

NM_001040716.2(PC):c.826G>T (p.Glu276Ter)

Gene: PC (pyruvate carboxylase; minus strand). Cytogenetic location: 11q13.2.
Variant type: single nucleotide variant.
Coding change: c.826G>T on transcript NM_001040716.2 (MANE Select); coding-DNA position 826, G replaced by T.
Protein change: p.Glu276Ter; replaces glutamic acid 276 with a stop codon.
Molecular consequence: nonsense.
Genome position (GRCh38, 1-based): chr11:66,870,379, C>A on the plus strand (G>T on the coding strand, the complement: PC is on the minus strand). VCF-style: chr11-66870379-C-A. GRCh37 (hg19) VCF-style: chr11-66637850-C-A.
Other names: c.826G>T, p.Glu276Ter (NM_000920.4, NM_022172.3); short protein forms E276*.
Identifiers: ClinVar variation 3240024 (VCV003240024.2), dbSNP rs1018564264.